The following is an entry in ClinVar:

NM_017905.6(SLC9D1):c.1581C>G (p.Phe527Leu)

Gene: SLC9D1 (solute carrier family 9 member D1; plus strand). Cytogenetic location: 13q34.
Variant type: single nucleotide variant.
Coding change: c.1581C>G on transcript NM_017905.6 (MANE Select); coding-DNA position 1581, C replaced by G.
Protein change: p.Phe527Leu; replaces phenylalanine 527 with leucine.
Molecular consequence: missense variant. On other transcripts: non-coding transcript variant (2).
Genome position (GRCh38, 1-based): chr13:113,539,398, C>G. VCF-style: chr13-113539398-C-G. GRCh37 (hg19) VCF-style: chr13-114193713-C-G.
Other names: c.1389C>G, p.Phe463Leu (NM_001349742.2, NM_001349745.2); c.1084C>G, p.Pro362Ala (NM_001349743.2); c.1581C>G, p.Phe527Leu (NM_001349744.2); c.1276C>G, p.Pro426Ala (NM_001349746.2); short protein forms P426A, F463L, F527L, P362A.
Identifiers: ClinVar variation 2644012 (VCV002644012.24), dbSNP rs142041655, ClinGen allele CA7064770.
Genomic context (GRCh38, chr13:113,539,398, plus strand): 5'-TGCGTCCTGCCTCTCTCAGGTCACGGAGCTGCTGGACGTCTCCATGGAGCTGGGCTGTTT[C>G]CTGGCTGGAGCGCTCGTCTCCTCTCAGGGCCCCGTGGTCACCGAGGAGATCGCCACCTCC-3'
Protein context (NP_060375.4, residues 517-537): LLDVSMELGC[Phe527Leu]LAGALVSSQG

ClinVar aggregate classification (germline): Likely benign (1 of 4 stars; one submission).

Allele frequency attached by ClinVar (database versions not stated): gnomAD 0.00038; ExAC 0.00054; ESP Exome Variant Server 0.00062.
gnomAD v4.1: 544 of 1,613,482 alleles (0.034%); highest among the groups gnomAD compares: Middle Eastern, 0.033%; 3 homozygotes.

Submission:

CeGaT Center for Human Genetics Tuebingen
Classification: Likely benign. Last evaluated: 2023-10-01. Review status: criteria provided, single submitter. Criteria: CeGaT Center For Human Genetics Tuebingen Variant Classification Criteria Version 2. Collection method: clinical testing. Allele origin: germline. Affected: yes. Observed: 1 variant allele.
Comment: SLC9D1: BS1